The following is an entry in ClinVar:

NM_000492.4(CFTR):c.2562T>G (p.Thr854=)

Gene: CFTR (CF transmembrane conductance regulator; plus strand). Cytogenetic location: 7q31.2.
Variant type: single nucleotide variant.
Coding change: c.2562T>G on transcript NM_000492.4 (MANE Select); coding-DNA position 2562, T replaced by G.
Protein change: p.Thr854=; no amino-acid change (threonine 854 retained).
Molecular consequence: synonymous variant.
Genome position (GRCh38, 1-based): chr7:117,595,001, T>G. VCF-style: chr7-117595001-T-G. GRCh37 (hg19) VCF-style: chr7-117235055-T-G.
Other names: p.Thr854=.
Identifiers: ClinVar variation 43577 (VCV000043577.59), dbSNP rs1042077, ClinGen allele CA132752.
Genomic context (GRCh38, chr7:117,595,001, plus strand): 5'-TGATGATATGGAGAGCATACCAGCAGTGACTACATGGAACACATACCTTCGATATATTAC[T>G]GTCCACAAGAGCTTAATTTTTGTGCTAATTTGGTGCTTAGTAATTTTTCTGGCAGAGGTA-3'
Protein context (NP_000483.3, residues 844-864): TTWNTYLRYI[Thr854=]VHKSLIFVLI

ClinVar aggregate classification (germline): Benign/Likely benign. Review status: criteria provided, multiple submitters, no conflicts (2 of 4 stars). 19 submissions from 19 submitters: Benign (11); Likely benign (3). 5 of the submissions do not count toward it. Last evaluated 2026-02-04.

Conditions:
CFTR-related disorder (CFTR-RD). Also called: CFTR-related condition; CFTR-related disorders. Identifiers: MedGen C5924204, MONDO:7770004.
Hereditary pancreatitis (PCTT). Also called: Hereditary chronic pancreatitis; PRSS1-Related Hereditary Pancreatitis. Identifiers: Orphanet 676, MedGen C0238339, MONDO:0008185, OMIM 167800.
Cystic fibrosis (CF). Also called: MUCOVISCIDOSIS. Identifiers: Orphanet 586, MedGen C0010674, MONDO:0009061, OMIM 219700. Disease mechanism: loss of function.

Allele frequency attached by ClinVar (database versions not stated): ESP Exome Variant Server 0.40281; TOPMed 0.43326; gnomAD 0.44737; 1000 Genomes Project 0.47923; 1000 Genomes Project 30x 0.48610.
gnomAD v4.1: 555,917 of 1,611,676 alleles (34%); highest among the groups gnomAD compares: African/African-American, 64%; 101,808 homozygotes.

Submissions (19):

Labcorp Genetics (formerly Invitae), Labcorp
Classification: Benign for Cystic fibrosis. Last evaluated: 2026-02-04. Review status: criteria provided, single submitter. Criteria: Invitae Variant Classification Sherloc (09022015). Collection method: clinical testing. Allele origin: germline.

ARUP Laboratories, Molecular Genetics and Genomics, ARUP Laboratories
Classification: Benign. Last evaluated: 2025-07-31. Review status: criteria provided, single submitter. Criteria: ARUP Molecular Germline Variant Investigation Process 2024. Collection method: clinical testing. Allele origin: germline.

Blueprint Genetics
Classification: Likely benign. Last evaluated: 2024-11-27. Review status: criteria provided, single submitter. Criteria: ACMG Guidelines, 2015. Collection method: clinical testing. Allele origin: germline.

Mayo Clinic Laboratories, Mayo Clinic
Classification: Benign. Last evaluated: 2023-02-16. Review status: criteria provided, single submitter. Criteria: ACMG Guidelines, 2015. Collection method: clinical testing. Allele origin: germline. Observed: 3,421 variant alleles.

Genome-Nilou Lab
Classification: Benign for Cystic fibrosis. Last evaluated: 2021-07-01. Review status: criteria provided, single submitter. Criteria: ACMG Guidelines, 2015. Collection method: clinical testing. Allele origin: germline. Affected: no.

Sema4
Classification: Benign for Hereditary pancreatitis. Last evaluated: 2019-12-09. Review status: criteria provided, single submitter. Criteria: Sema4 Curation Guidelines. Collection method: curation. Allele origin: germline.

CFTR-France
Classification: Benign for cystic fibrosis. Last evaluated: 2018-01-29. Review status: criteria provided, single submitter. Criteria: Claustres M et al. (Hum Mutat 2017). Collection method: curation. Allele origin: germline. Affected: yes and no.
Comment: the variant does not result in CFTR-RD neither

Eurofins Ntd Llc (ga)
Classification: Benign. Last evaluated: 2018-01-19. Review status: criteria provided, single submitter. Criteria: EGL Classification Definitions 2015. Collection method: clinical testing. Allele origin: germline. Observed: 349 variant alleles, 255 heterozygotes, 92 homozygotes.

GeneDx
Classification: Benign. Last evaluated: 2017-12-27. Review status: criteria provided, single submitter. Criteria: GeneDx Variant Classification (06012015). Collection method: clinical testing. Allele origin: germline. Affected: yes.
Comment: This variant is considered likely benign or benign based on one or more of the following criteria: it is a conservative change, it occurs at a poorly conserved position in the protein, it is predicted to be benign by multiple in silico algorithms, and/or has population frequency not consistent with disease.

Illumina Laboratory Services, Illumina
Classification: Likely benign for CFTR-Related Disorders. Last evaluated: 2017-04-27. Review status: criteria provided, single submitter. Criteria: ICSL Variant Classification Criteria 13 December 2019. Collection method: clinical testing. Allele origin: germline.
Comment: This variant was observed as part of a predisposition screen in an ostensibly healthy population. A literature search was performed for the gene, cDNA change, and amino acid change (where applicable). No publications were found based on this search. Allele frequency data from public databases allowed determination this variant is unlikely to cause disease. Therefore, this variant is classified as likely benign.

Ambry Genetics
Classification: Benign for Cystic fibrosis. Last evaluated: 2014-11-19. Review status: criteria provided, single submitter. Criteria: Ambry Variant Classification Scheme 2023. Collection method: clinical testing. Allele origin: germline.

Laboratory for Molecular Medicine, Mass General Brigham Personalized Medicine
Classification: Benign. Last evaluated: 2011-10-20. Review status: criteria provided, single submitter. Criteria: LMM Criteria. Collection method: clinical testing. Allele origin: germline. Observed: 57 variant alleles.

Breakthrough Genomics
Classification: Likely benign. Review status: criteria provided, single submitter. Criteria: ACMG Guidelines, 2015. Collection method: not provided. Allele origin: germline. Inheritance: Autosomal recessive inheritance. Affected: yes.

PreventionGenetics, part of Exact Sciences
Classification: Benign. Review status: criteria provided, single submitter. Criteria: ACMG Guidelines, 2015. Collection method: clinical testing. Allele origin: germline.

Payam Genetics Center, General Welfare Department of North Khorasan Province
Classification: Benign for Cystic fibrosis. Last evaluated: 2023-03-01. Review status: no assertion criteria provided. Collection method: clinical testing. Allele origin: germline. Affected: no. Observed: 1 variant allele. Not counted in ClinVar's aggregate classification.

Natera, Inc.
Classification: Benign for CFTR-related disorders. Last evaluated: 2017-03-28. Review status: no assertion criteria provided. Collection method: clinical testing. Allele origin: germline. Not counted in ClinVar's aggregate classification.

Clinical Genetics DNA and cytogenetics Diagnostics Lab, Erasmus MC, Erasmus Medical Center
Classification: Benign. Review status: no assertion criteria provided. Collection method: clinical testing. Allele origin: germline. Affected: yes. Study: VKGL Data-share Consensus. Not counted in ClinVar's aggregate classification.

Diagnostic Laboratory, Department of Genetics, University Medical Center Groningen
Classification: Benign. Review status: no assertion criteria provided. Collection method: clinical testing. Allele origin: germline. Affected: yes. Study: VKGL Data-share Consensus. Not counted in ClinVar's aggregate classification.

Genetic Services Laboratory, University of Chicago
Classification: Likely benign for AllHighlyPenetrant. Review status: no assertion criteria provided. Collection method: clinical testing. Allele origin: germline. Inheritance: Autosomal recessive inheritance. Not counted in ClinVar's aggregate classification.
Comment: Likely benign based on allele frequency in 1000 Genomes Project or ESP global frequency and its presence in a patient with a rare or unrelated disease phenotype. NOT Sanger confirmed.

Literature cited by the submitters: PubMed 34964109 (cited by Payam Genetics Center, General Welfare Department of North Khorasan Province); PubMed 20301773 (cited by Payam Genetics Center, General Welfare Department of North Khorasan Province).